The following is an entry in ClinVar:

NM_007327.4(GRIN1):c.571-853A>T

Gene: GRIN1 (glutamate ionotropic receptor NMDA type subunit 1; plus strand). Cytogenetic location: 9q34.3.
Variant type: single nucleotide variant.
Coding change: c.571-853A>T on transcript NM_007327.4 (MANE Select); 853 bases into the intron before coding-DNA position 571, A replaced by T.
Molecular consequence: intron variant. On other transcripts: missense variant (4).
Genome position (GRCh38, 1-based): chr9:137,148,156, A>T. VCF-style: chr9-137148156-A-T. GRCh37 (hg19) VCF-style: chr9-140042608-A-T.
Other names: c.575A>T, p.Lys192Ile (NM_001185090.2, NM_001185091.2, NM_001437330.1 and 1 more transcripts); c.571-853A>T (NM_021569.4, NM_000832.7); short protein forms K192I.
Identifiers: ClinVar variation 5041583 (VCV005041583.1).

ClinVar aggregate classification (germline): Uncertain significance (1 of 4 stars; one submission).

Submission:

CeGaT Center for Human Genetics Tuebingen
Classification: Uncertain significance. Last evaluated: 2026-09-01. Review status: criteria provided, single submitter. Criteria: CeGaT Center For Human Genetics Tuebingen Variant Classification Criteria Version 2. Collection method: clinical testing. Allele origin: germline. Affected: yes. Observed: 1 variant allele.
Comment: GRIN1: PM2